The following is an entry in ClinVar:

ClinVar aggregate classification (germline): Benign. Review status: criteria provided, multiple submitters, no conflicts (2 of 4 stars). 3 submissions from 3 submitters: Benign (2). 1 of the submissions does not count toward it. Last evaluated 2019-12-31.

Conditions:
FDXR-related disorder. Also called: FDXR-related condition; FDXR-related disorders.

Allele frequency attached by ClinVar (database versions not stated): gnomAD exomes 0.00106 and 0.00278; ExAC 0.00330; gnomAD 0.01011 and 0.01081; 1000 Genomes Project 0.01058; 1000 Genomes Project 30x 0.01109; TOPMed 0.01123; ESP Exome Variant Server 0.01161.
gnomAD v4.1: 3,167 of 1,614,060 alleles (0.2%); highest among the groups gnomAD compares: African/African-American, 3.5%; 47 homozygotes.

Submissions (3):

Labcorp Genetics (formerly Invitae), Labcorp
Classification: Benign. Last evaluated: 2019-12-31. Review status: criteria provided, single submitter. Criteria: Invitae Variant Classification Sherloc (09022015). Collection method: clinical testing. Allele origin: germline.

Breakthrough Genomics
Classification: Benign. Review status: criteria provided, single submitter. Criteria: ACMG Guidelines, 2015. Collection method: not provided. Allele origin: germline. Inheritance: Autosomal recessive inheritance. Affected: yes.

PreventionGenetics, part of Exact Sciences
Classification: Benign for FDXR-related condition. Last evaluated: 2019-07-15. Review status: no assertion criteria provided. Collection method: clinical testing. Allele origin: germline. Not counted in ClinVar's aggregate classification.
Comment: This variant is classified as benign based on ACMG/AMP sequence variant interpretation guidelines (Richards et al. 2015 PMID: 25741868, with internal and published modifications).

NM_024417.5(FDXR):c.1092C>T (p.Ser364=)

Gene: FDXR (ferredoxin reductase; minus strand). Cytogenetic location: 17q25.1.
Variant type: single nucleotide variant.
Coding change: c.1092C>T on transcript NM_024417.5 (MANE Select); coding-DNA position 1092, C replaced by T.
Protein change: p.Ser364=; no amino-acid change (serine 364 retained).
Molecular consequence: synonymous variant. On other transcripts: non-coding transcript variant (1).
Genome position (GRCh38, 1-based): chr17:74,863,978, G>A on the plus strand (C>T on the coding strand, the complement: FDXR is on the minus strand). VCF-style: chr17-74863978-G-A. GRCh37 (hg19) VCF-style: chr17-72860100-G-A.
Other names: c.1221C>T, p.Ser407= (NM_001258012.4); c.1185C>T, p.Ser395= (NM_001258013.4); c.1068C>T, p.Ser356= (NM_001258014.4); c.972C>T, p.Ser324= (NM_001258015.3); c.936C>T, p.Ser312= (NM_001258016.3); c.1110C>T, p.Ser370= (NM_004110.6); c.1092C>T (NM_024417.4).
Identifiers: ClinVar variation 785579 (VCV000785579.7), dbSNP rs33991203, ClinGen allele CA8752923.
Genomic context (GRCh38, chr17:74,863,978, plus strand): 5'-CTCCACATTGGGGATGACCCCAAGCTTGGAGTCAAAGGGCACGCTTGGGTCGACAGGGCG[G>A]CTCTTATACCCAATGCTGCTGAGCACCAGCCCACAAGGGAGGTCTTCCATGTCTCCCGTG-3'
Protein context (NP_077728.3, residues 354-374): GLVLSSIGYK[Ser364=]RPVDPSVPFD